The following is an entry in ClinVar:

ClinVar aggregate classification (germline): Uncertain significance (1 of 4 stars; one submission).

Submission:

GeneDx
Classification: Uncertain significance. Last evaluated: 2025-05-14. Review status: criteria provided, single submitter. Criteria: GeneDx Variant Classification Process June 2021. Collection method: clinical testing. Allele origin: germline. Affected: yes.
Comment: Not observed at significant frequency in large population cohorts (gnomAD); In silico analysis supports that this missense variant has a deleterious effect on protein structure/function; Has not been previously published as pathogenic or benign to our knowledge

NM_001854.4(COL11A1):c.1741C>G (p.Arg581Gly)

Gene: COL11A1 (collagen type XI alpha 1 chain; minus strand). Cytogenetic location: 1p21.1.
Variant type: single nucleotide variant.
Coding change: c.1741C>G on transcript NM_001854.4 (MANE Select); coding-DNA position 1741, C replaced by G.
Protein change: p.Arg581Gly; replaces arginine 581 with glycine.
Molecular consequence: missense variant. On other transcripts: non-coding transcript variant (1).
Genome position (GRCh38, 1-based): chr1:103,006,118, G>C on the plus strand (C>G on the coding strand, the complement: COL11A1 is on the minus strand). VCF-style: chr1-103006118-G-C. GRCh37 (hg19) VCF-style: chr1-103471674-G-C.
Other names: c.1624C>G, p.Arg542Gly (NM_001190709.2); c.1777C>G, p.Arg593Gly (NM_080629.3); c.1393C>G, p.Arg465Gly (NM_080630.4); short protein forms R465G, R542G, R581G, R593G.
Identifiers: ClinVar variation 4529887 (VCV004529887.1).